The following is an entry in ClinVar:

NM_001563.4(IMPG1):c.371A>G (p.Gln124Arg)

Gene: IMPG1 (interphotoreceptor matrix proteoglycan 1; minus strand). Cytogenetic location: 6q14.1.
Variant type: single nucleotide variant.
Coding change: c.371A>G on transcript NM_001563.4 (MANE Select); coding-DNA position 371, A replaced by G.
Protein change: p.Gln124Arg; replaces glutamine 124 with arginine.
Molecular consequence: missense variant.
Genome position (GRCh38, 1-based): chr6:76,034,718, T>C on the plus strand (A>G on the coding strand, the complement: IMPG1 is on the minus strand). VCF-style: chr6-76034718-T-C. GRCh37 (hg19) VCF-style: chr6-76744435-T-C.
Other names: c.137A>G, p.Gln46Arg (NM_001282368.2); short protein forms Q124R, Q46R.
Identifiers: ClinVar variation 1995696 (VCV001995696.4), dbSNP rs958225624, ClinGen allele CA141099266.

ClinVar aggregate classification (germline): Uncertain significance (1 of 4 stars; one submission).

Allele frequency attached by ClinVar (database versions not stated): gnomAD exomes below 0.00001; gnomAD 0.00001; TOPMed 0.00001.
gnomAD v4.1: 3 of 1,613,980 alleles (0.00019%); highest among the groups gnomAD compares: Non-Finnish European, 0.00025%; no homozygotes.

Submission:

Labcorp Genetics (formerly Invitae), Labcorp
Classification: Uncertain significance. Last evaluated: 2022-07-19. Review status: criteria provided, single submitter. Criteria: Invitae Variant Classification Sherloc (09022015). Collection method: clinical testing. Allele origin: germline.
Comment: This sequence change replaces glutamine, which is neutral and polar, with arginine, which is basic and polar, at codon 124 of the IMPG1 protein (p.Gln124Arg). This variant is present in population databases (no rsID available, gnomAD 0.002%). This variant has not been reported in the literature in individuals affected with IMPG1-related conditions. Algorithms developed to predict the effect of missense changes on protein structure and function are either unavailable or do not agree on the potential impact of this missense change (SIFT: "Deleterious"; PolyPhen-2: "Benign"; Align-GVGD: "Class C0"). In summary, the available evidence is currently insufficient to determine the role of this variant in disease. Therefore, it has been classified as a Variant of Uncertain Significance.